The following is an entry in ClinVar:

ClinVar aggregate classification (germline): Uncertain significance (1 of 4 stars; one submission).

Conditions:
Malignant hyperthermia, susceptibility to, 1 (MHS1). Also called: Anesthesia related hyperthermia; Malignant hyperpyrexia; Fulminating hyperpyrexia; Pharmacogenic myopathy; RYR1-Related Malignant Hyperthermia Susceptibility; Malignant hyperthermia suceptibility 1. Identifiers: Orphanet 423, MedGen C2930980, MONDO:0007783, OMIM 145600.

Allele frequency attached by ClinVar (database versions not stated): gnomAD exomes below 0.00001; TOPMed below 0.00001; gnomAD 0.00001.
gnomAD v4.1: 3 of 1,613,874 alleles (0.00019%); highest among the groups gnomAD compares: Non-Finnish European, 0.00025%; no homozygotes.

Submission:

All of Us Research Program, National Institutes of Health
Classification: Uncertain significance for Malignant hyperthermia, susceptibility to, 1. Last evaluated: 2023-12-18. Review status: criteria provided, single submitter. Criteria: ACMG Guidelines, 2015. Collection method: clinical testing. Allele origin: germline. Inheritance: Autosomal dominant inheritance. Observed: 1 variant allele, 1 heterozygote.
Comment: This missense variant replaces aspartic acid with glycine at codon 618 of the RYR1 protein. Computational prediction suggests that this variant may have deleterious impact on protein structure and function (internally defined REVEL score threshold >= 0.7, PMID: 27666373). To our knowledge, functional studies have not been reported for this variant. This variant has not been reported in individuals affected with RYR1-related disorders in the literature. This variant has not been identified in the general population by the Genome Aggregation Database (gnomAD). The available evidence is insufficient to determine the role of this variant in disease conclusively. Therefore, this variant is classified as a Variant of Uncertain Significance.

This study involves interpretation of variants in research participants for the purpose of population health screening. Participant phenotype was not available at the time of variant classification. Additional details can be found in publication PMID: 35346344, PMCID: PMC8962531

NM_000540.3(RYR1):c.1853A>G (p.Asp618Gly)

Gene: RYR1 (ryanodine receptor 1; plus strand). Cytogenetic location: 19q13.2.
Variant type: single nucleotide variant.
Coding change: c.1853A>G on transcript NM_000540.3 (MANE Select); coding-DNA position 1853, A replaced by G.
Protein change: p.Asp618Gly; replaces aspartic acid 618 with glycine.
Molecular consequence: missense variant.
Genome position (GRCh38, 1-based): chr19:38,457,558, A>G. VCF-style: chr19-38457558-A-G. GRCh37 (hg19) VCF-style: chr19-38948198-A-G.
Other names: c.1853A>G, p.Asp618Gly (NM_001042723.2); short protein forms D618G.
Identifiers: ClinVar variation 3075150 (VCV003075150.1), dbSNP rs1289928400, ClinGen allele CA405693937.